The following is an entry in ClinVar:

ClinVar aggregate classification (germline): Uncertain significance (1 of 4 stars; one submission).

Conditions:
Dilated cardiomyopathy 1JJ (CMD1JJ). Identifiers: Orphanet 154, MedGen C3808935, MONDO:0014095, OMIM 615235.

Submission:

Labcorp Genetics (formerly Invitae), Labcorp
Classification: Uncertain significance for Dilated cardiomyopathy 1JJ. Last evaluated: 2021-03-19. Review status: criteria provided, single submitter. Criteria: Invitae Variant Classification Sherloc (09022015). Collection method: clinical testing. Allele origin: germline.
Comment: This sequence change replaces glutamine with proline at codon 1538 of the LAMA4 protein (p.Gln1538Pro). The glutamine residue is highly conserved and there is a moderate physicochemical difference between glutamine and proline. In summary, the available evidence is currently insufficient to determine the role of this variant in disease. Therefore, it has been classified as a Variant of Uncertain Significance. Algorithms developed to predict the effect of missense changes on protein structure and function are either unavailable or do not agree on the potential impact of this missense change (SIFT: "Deleterious"; PolyPhen-2: "Probably Damaging"; Align-GVGD: "Class C0"). This variant has not been reported in the literature in individuals with LAMA4-related conditions. This variant is not present in population databases (ExAC no frequency).

NM_001105206.3(LAMA4):c.4634A>C (p.Gln1545Pro)

Gene: LAMA4 (laminin subunit alpha 4; minus strand). Cytogenetic location: 6q21.
Variant type: single nucleotide variant.
Coding change: c.4634A>C on transcript NM_001105206.3 (MANE Select); coding-DNA position 4634, A replaced by C.
Protein change: p.Gln1545Pro; replaces glutamine 1545 with proline.
Molecular consequence: missense variant.
Genome position (GRCh38, 1-based): chr6:112,120,314, T>G on the plus strand (A>C on the coding strand, the complement: LAMA4 is on the minus strand). VCF-style: chr6-112120314-T-G. GRCh37 (hg19) VCF-style: chr6-112441517-T-G.
Other names: c.4613A>C, p.Gln1538Pro (NM_001105207.3, NM_002290.5); short protein forms Q1545P, Q1538P.
Identifiers: ClinVar variation 1516768 (VCV001516768.8), dbSNP rs2114589787, ClinGen allele CA365369193.